The following is an entry in ClinVar:

NM_032608.7(MYO18B):c.4442A>G (p.His1481Arg)

Genes: MYO18B (myosin XVIIIB; plus strand), MYO18B-AS1 (MYO18B antisense RNA 1; minus strand). Cytogenetic location: 22q12.1.
Variant type: single nucleotide variant.
Coding change: c.4442A>G on transcript NM_032608.7 (MANE Select); coding-DNA position 4442, A replaced by G.
Protein change: p.His1481Arg; replaces histidine 1481 with arginine.
Molecular consequence: missense variant.
Genome position (GRCh38, 1-based): chr22:25,891,311, A>G. VCF-style: chr22-25891311-A-G. GRCh37 (hg19) VCF-style: chr22-26287278-A-G.
Other names: c.4445A>G, p.His1482Arg (NM_001318245.2); short protein forms H1482R, H1481R.
Identifiers: ClinVar variation 1960104 (VCV001960104.5), dbSNP rs1601488413, ClinGen allele CA411009517.

ClinVar aggregate classification (germline): Uncertain significance (1 of 4 stars; one submission).

Allele frequency attached by ClinVar (database versions not stated): TOPMed below 0.00001; gnomAD 0.00001.

Submission:

Labcorp Genetics (formerly Invitae), Labcorp
Classification: Uncertain significance. Last evaluated: 2022-03-25. Review status: criteria provided, single submitter. Criteria: Invitae Variant Classification Sherloc (09022015). Collection method: clinical testing. Allele origin: germline.
Comment: In summary, the available evidence is currently insufficient to determine the role of this variant in disease. Therefore, it has been classified as a Variant of Uncertain Significance. Algorithms developed to predict the effect of missense changes on protein structure and function are either unavailable or do not agree on the potential impact of this missense change (SIFT: "Not Available"; PolyPhen-2: "Benign"; Align-GVGD: "Not Available"). This variant has not been reported in the literature in individuals affected with MYO18B-related conditions. This variant is not present in population databases (gnomAD no frequency). This sequence change replaces histidine, which is basic and polar, with arginine, which is basic and polar, at codon 1481 of the MYO18B protein (p.His1481Arg).